The following is an entry in ClinVar:

NM_000059.4(BRCA2):c.8186A>G (p.Lys2729Arg)

Gene: BRCA2 (BRCA2 DNA repair associated; plus strand). Cytogenetic location: 13q13.1.
Variant type: single nucleotide variant.
Coding change: c.8186A>G on transcript NM_000059.4 (MANE Select); coding-DNA position 8186, A replaced by G.
Protein change: p.Lys2729Arg; replaces lysine 2729 with arginine.
Molecular consequence: missense variant.
Genome position (GRCh38, 1-based): chr13:32,363,388, A>G. VCF-style: chr13-32363388-A-G. GRCh37 (hg19) VCF-style: chr13-32937525-A-G.
Other names: short protein forms K2729R.
Identifiers: ClinVar variation 628583 (VCV000628583.20), dbSNP rs755946384, ClinGen allele CA6941196.

ClinVar aggregate classification (germline): Uncertain significance. Review status: criteria provided, multiple submitters, no conflicts (2 of 4 stars). 5 submissions from 5 submitters: Uncertain significance (5). Last evaluated 2024-04-10.

Conditions:
BRCA2-related cancer predisposition. Identifiers: MedGen CN377758, MONDO:0700269.
Hereditary cancer-predisposing syndrome. Also called: Neoplastic Syndromes, Hereditary; Tumor predisposition; Hereditary neoplastic syndrome; Hereditary Cancer Syndrome. Identifiers: Orphanet 140162, MedGen C0027672, MeSH D009386, MONDO:0015356.
Hereditary breast ovarian cancer syndrome. Also called: Hereditary breast and ovarian cancer syndrome; Hereditary breast and ovarian cancer; Hereditary breast and ovarian cancer syndrome (HBOC); Breast and ovarian cancer; Hereditary breast and/or ovarian cancer syndrome; BRCA1- and BRCA2-Associated Hereditary Breast and Ovarian Cancer. Identifiers: Orphanet 145, MedGen C0677776, MeSH D061325, MONDO:0003582. Disease mechanism: loss of function.

Allele frequency attached by ClinVar (database versions not stated): gnomAD exomes below 0.00001 and 0.00001; ExAC 0.00001.
gnomAD v4.1: 2 of 1,614,208 alleles (0.00012%); highest among the groups gnomAD compares: Admixed American, 0.0017%; no homozygotes.

Submissions (5):

All of Us Research Program, National Institutes of Health
Classification: Uncertain significance for BRCA2-related cancer predisposition. Last evaluated: 2024-04-10. Review status: criteria provided, single submitter. Criteria: ACMG Guidelines, 2015. Collection method: clinical testing. Allele origin: germline. Inheritance: Autosomal dominant inheritance. Observed: 1 variant allele, 1 heterozygote.
Comment: This study involves interpretation of variants in research participants for the purpose of population health screening. Participant phenotype was not available at the time of variant classification. Additional details can be found in publication PMID: 35346344, PMCID: PMC8962531

Labcorp Genetics (formerly Invitae), Labcorp
Classification: Uncertain significance for Hereditary breast ovarian cancer syndrome. Last evaluated: 2023-12-17. Review status: criteria provided, single submitter. Criteria: Invitae Variant Classification Sherloc (09022015). Collection method: clinical testing. Allele origin: germline.
Comment: This sequence change replaces lysine, which is basic and polar, with arginine, which is basic and polar, at codon 2729 of the BRCA2 protein (p.Lys2729Arg). This variant is present in population databases (rs755946384, gnomAD 0.003%). This variant has not been reported in the literature in individuals affected with BRCA2-related conditions. ClinVar contains an entry for this variant (Variation ID: 628583). Advanced modeling of protein sequence and biophysical properties (such as structural, functional, and spatial information, amino acid conservation, physicochemical variation, residue mobility, and thermodynamic stability) performed at Invitae indicates that this missense variant is not expected to disrupt BRCA2 protein function with a negative predictive value of 95%. In summary, the available evidence is currently insufficient to determine the role of this variant in disease. Therefore, it has been classified as a Variant of Uncertain Significance.

Color Diagnostics, LLC DBA Color Health
Classification: Uncertain significance for Hereditary cancer-predisposing syndrome. Last evaluated: 2023-12-04. Review status: criteria provided, single submitter. Criteria: ACMG Guidelines, 2015. Collection method: clinical testing. Allele origin: germline.
Comment: This missense variant replaces lysine with arginine at codon 2729 of the BRCA2 protein. Computational prediction suggests that this variant may not impact protein structure and function (internally defined REVEL score threshold <= 0.5, PMID: 27666373). To our knowledge, functional studies have not been reported for this variant. This variant has not been reported in individuals affected with BRCA2-related disorders in the literature. This variant has been identified in 2/250736 chromosomes in the general population by the Genome Aggregation Database (gnomAD). The available evidence is insufficient to determine the role of this variant in disease conclusively. Therefore, this variant is classified as a Variant of Uncertain Significance.

Women's Health and Genetics/Laboratory Corporation of America, LabCorp
Classification: Uncertain significance. Last evaluated: 2022-12-09. Review status: criteria provided, single submitter. Criteria: LabCorp Variant Classification Summary - May 2015. Collection method: clinical testing. Allele origin: germline.
Comment: Variant summary: BRCA2 c.8186A>G (p.Lys2729Arg) results in a conservative amino acid change located in the OB1 fold (IPR015187) of the encoded protein sequence. Four of four in-silico tools predict a benign effect of the variant on protein function. The variant allele was found at a frequency of 8e-06 in 250736 control chromosomes (gnomAD). The available data on variant occurrences in the general population are insufficient to allow any conclusion about variant significance. To our knowledge, no occurrence of c.8186A>G in individuals affected with Hereditary Breast And Ovarian Cancer Syndrome and no experimental evidence demonstrating its impact on protein function have been reported. Three clinical diagnostic laboratories have submitted clinical-significance assessments for this variant to ClinVar after 2014 and all classified the variant as uncertain significance. Based on the evidence outlined above, the variant was classified as uncertain significance.

Ambry Genetics
Classification: Uncertain significance for Hereditary cancer-predisposing syndrome. Last evaluated: 2022-01-13. Review status: criteria provided, single submitter. Criteria: Ambry Variant Classification Scheme 2023. Collection method: clinical testing. Allele origin: germline.
Comment: The p.K2729R variant (also known as c.8186A>G), located in coding exon 17 of the BRCA2 gene, results from an A to G substitution at nucleotide position 8186. The lysine at codon 2729 is replaced by arginine, an amino acid with highly similar properties. This amino acid position is not well conserved in available vertebrate species. In addition, the in silico prediction for this alteration is inconclusive. Since supporting evidence is limited at this time, the clinical significance of this alteration remains unclear.